The following is an entry in ClinVar:

ClinVar aggregate classification (germline): Uncertain significance (1 of 4 stars; one submission).

Conditions:
Primary ciliary dyskinesia. Also called: Ciliary dyskinesia. Identifiers: Orphanet 244, MedGen C0008780, MONDO:0016575, HP:0012265.

gnomAD v4.1: 5 of 1,614,174 alleles (0.00031%); highest among the groups gnomAD compares: African/African-American, 0.0053%; no homozygotes.

Submission:

Labcorp Genetics (formerly Invitae), Labcorp
Classification: Uncertain significance for Primary ciliary dyskinesia. Last evaluated: 2023-08-04. Review status: criteria provided, single submitter. Criteria: Invitae Variant Classification Sherloc (09022015). Collection method: clinical testing. Allele origin: germline.
Comment: Advanced modeling of protein sequence and biophysical properties (such as structural, functional, and spatial information, amino acid conservation, physicochemical variation, residue mobility, and thermodynamic stability) performed at Invitae indicates that this missense variant is not expected to disrupt DNAH5 protein function. This sequence change replaces glycine, which is neutral and non-polar, with valine, which is neutral and non-polar, at codon 4346 of the DNAH5 protein (p.Gly4346Val). This variant is not present in population databases (gnomAD no frequency). This variant has not been reported in the literature in individuals affected with DNAH5-related conditions. ClinVar contains an entry for this variant (Variation ID: 1519225). In summary, the available evidence is currently insufficient to determine the role of this variant in disease. Therefore, it has been classified as a Variant of Uncertain Significance.

NM_001369.3(DNAH5):c.13037G>T (p.Gly4346Val)

Gene: DNAH5 (dynein axonemal heavy chain 5; minus strand). Cytogenetic location: 5p15.2.
Variant type: single nucleotide variant.
Coding change: c.13037G>T on transcript NM_001369.3 (MANE Select); coding-DNA position 13037, G replaced by T.
Protein change: p.Gly4346Val; replaces glycine 4346 with valine.
Molecular consequence: missense variant.
Genome position (GRCh38, 1-based): chr5:13,714,493, C>A on the plus strand (G>T on the coding strand, the complement: DNAH5 is on the minus strand). VCF-style: chr5-13714493-C-A. GRCh37 (hg19) VCF-style: chr5-13714602-C-A.
Other names: short protein forms G4346V.
Identifiers: ClinVar variation 1519225 (VCV001519225.6), dbSNP rs371027404, ClinGen allele CA113917498.